The following is an entry in ClinVar:

NM_003000.3(SDHB):c.515A>G (p.Gln172Arg)

Gene: SDHB (succinate dehydrogenase complex iron sulfur subunit B; minus strand). Cytogenetic location: 1p36.13.
Variant type: single nucleotide variant.
Coding change: c.515A>G on transcript NM_003000.3 (MANE Select); coding-DNA position 515, A replaced by G.
Protein change: p.Gln172Arg; replaces glutamine 172 with arginine.
Molecular consequence: missense variant.
Genome position (GRCh38, 1-based): chr1:17,027,774, T>C on the plus strand (A>G on the coding strand, the complement: SDHB is on the minus strand). VCF-style: chr1-17027774-T-C. GRCh37 (hg19) VCF-style: chr1-17354269-T-C.
Other names: c.515A>G (NM_003000.2); short protein forms Q172R.
Identifiers: ClinVar variation 1058490 (VCV001058490.7), dbSNP rs2077999528, ClinGen allele CA338272556.

ClinVar aggregate classification (germline): Uncertain significance. Review status: criteria provided, multiple submitters, no conflicts (2 of 4 stars). 2 submissions from 2 submitters: Uncertain significance (2). Last evaluated 2026-04-03.

Conditions:
Pheochromocytoma. Also called: MAX-Related Hereditary Paraganglioma-Pheochromocytoma Syndrome. Identifiers: Orphanet 29072, MedGen C0031511, MONDO:0008233, OMIM 171300, HP:0002666.
Gastrointestinal stromal tumor. Also called: Gastrointestinal stromal tumor, somatic; Gastrointestinal stroma tumor. Identifiers: Orphanet 44890, MedGen C0238198, MeSH D046152, MONDO:0011719, OMIM 606764, HP:0100723.
Pheochromocytoma/paraganglioma syndrome 4. Also called: CAROTID BODY TUMORS AND MULTIPLE EXTRAADRENAL PHEOCHROMOCYTOMAS; SDHB-Related Hereditary Paraganglioma-Pheochromocytoma Syndrome (Paragangliomas 4); Paragangliomas 4; SDHB-Related Hereditary Paraganglioma-Pheochromocytoma Syndrome; PARAGANGLIOMA, FAMILIAL MALIGNANT; PARAGANGLIOMAS, HEREDITARY EXTRAADRENAL. Identifiers: Orphanet 29072, MedGen C1861848, MONDO:0007273, OMIM 115310.
Hereditary cancer-predisposing syndrome. Also called: Tumor predisposition; Neoplastic Syndromes, Hereditary; Hereditary neoplastic syndrome; Hereditary Cancer Syndrome. Identifiers: Orphanet 140162, MedGen C0027672, MeSH D009386, MONDO:0015356.

Allele frequency attached by ClinVar (database versions not stated): gnomAD 0.00001.
gnomAD v4.1: 1 of 1,606,050 alleles (0.000062%); highest among the groups gnomAD compares: African/African-American, 0.0013%; no homozygotes.

Submissions (2):

Ambry Genetics
Classification: Uncertain significance for Hereditary cancer-predisposing syndrome. Last evaluated: 2026-04-03. Review status: criteria provided, single submitter. Criteria: Ambry Variant Classification Scheme 2023. Collection method: clinical testing. Allele origin: germline.
Comment: The p.Q172R variant (also known as c.515A>G), located in coding exon 5 of the SDHB gene, results from an A to G substitution at nucleotide position 515. The glutamine at codon 172 is replaced by arginine, an amino acid with highly similar properties. This amino acid position is conserved. In addition, this alteration is predicted to be deleterious by in silico analysis. Based on the available evidence, the clinical significance of this alteration remains unclear.

Labcorp Genetics (formerly Invitae), Labcorp
Classification: Uncertain significance for Gastrointestinal stromal tumor; Pheochromocytoma/paraganglioma syndrome 4; Pheochromocytoma. Last evaluated: 2025-06-14. Review status: criteria provided, single submitter. Criteria: Invitae Variant Classification Sherloc (09022015). Collection method: clinical testing. Allele origin: germline.
Comment: This sequence change replaces glutamine, which is neutral and polar, with arginine, which is basic and polar, at codon 172 of the SDHB protein (p.Gln172Arg). This variant is not present in population databases (gnomAD no frequency). This variant has not been reported in the literature in individuals affected with SDHB-related conditions. ClinVar contains an entry for this variant (Variation ID: 1058490). Invitae Evidence Modeling of protein sequence and biophysical properties (such as structural, functional, and spatial information, amino acid conservation, physicochemical variation, residue mobility, and thermodynamic stability) indicates that this missense variant is expected to disrupt SDHB protein function with a positive predictive value of 80%. In summary, the available evidence is currently insufficient to determine the role of this variant in disease. Therefore, it has been classified as a Variant of Uncertain Significance.